The following is an entry in ClinVar:

ClinVar aggregate classification (germline): Benign (0 of 4 stars; one submission).

Conditions:
ADGRG2-related disorder. Also called: ADGRG2-related condition.

Allele frequency attached by ClinVar (database versions not stated): ExAC 0.00245; gnomAD 0.00635; TOPMed 0.00736; 1000 Genomes Project 0.00874; ESP Exome Variant Server 0.00890; 1000 Genomes Project 30x 0.00957.
gnomAD v4.1: 1,398 of 1,208,603 alleles (0.12%); highest among the groups gnomAD compares: African/African-American, 2.2%; 6 homozygotes.

Submission:

PreventionGenetics, part of Exact Sciences
Classification: Benign for ADGRG2-related condition. Last evaluated: 2019-08-09. Review status: no assertion criteria provided. Collection method: clinical testing. Allele origin: germline.
Comment: This variant is classified as benign based on ACMG/AMP sequence variant interpretation guidelines (Richards et al. 2015 PMID: 25741868, with internal and published modifications).

NM_001079858.3(ADGRG2):c.1653C>T (p.Asn551=)

Gene: ADGRG2 (adhesion G protein-coupled receptor G2; minus strand). Cytogenetic location: Xp22.13.
Variant type: single nucleotide variant.
Coding change: c.1653C>T on transcript NM_001079858.3 (MANE Select); coding-DNA position 1653, C replaced by T.
Protein change: p.Asn551=; no amino-acid change (asparagine 551 retained).
Molecular consequence: synonymous variant.
Genome position (GRCh38, 1-based): chrX:19,007,271, G>A on the plus strand (C>T on the coding strand, the complement: ADGRG2 is on the minus strand). VCF-style: chrX-19007271-G-A. GRCh37 (hg19) VCF-style: chrX-19025389-G-A.
Other names: c.1611C>T, p.Asn537= (NM_001079859.3); c.1587C>T, p.Asn529= (NM_001079860.3); c.1605C>T, p.Asn535= (NM_001184833.2); c.1653C>T, p.Asn551= (NM_001184834.2); c.1539C>T, p.Asn513= (NM_001184835.2); c.1581C>T, p.Asn527= (NM_001184836.2); c.1563C>T, p.Asn521= (NM_001184837.2); c.1644C>T, p.Asn548= (NM_005756.4).
Identifiers: ClinVar variation 3035885 (VCV003035885.2), dbSNP rs149372578, ClinGen allele CA10362489.